The following is an entry in ClinVar:

NM_032043.3(BRIP1):c.1223A>G (p.Tyr408Cys)

Gene: BRIP1 (BRCA1 interacting DNA helicase 1; minus strand). Cytogenetic location: 17q23.2.
Variant type: single nucleotide variant.
Coding change: c.1223A>G on transcript NM_032043.3 (MANE Select); coding-DNA position 1223, A replaced by G.
Protein change: p.Tyr408Cys; replaces tyrosine 408 with cysteine.
Molecular consequence: missense variant.
Genome position (GRCh38, 1-based): chr17:61,799,217, T>C on the plus strand (A>G on the coding strand, the complement: BRIP1 is on the minus strand). VCF-style: chr17-61799217-T-C. GRCh37 (hg19) VCF-style: chr17-59876578-T-C.
Other names: short protein forms Y408C.
Identifiers: ClinVar variation 3825700 (VCV003825700.1).
Genomic context (GRCh38, chr17:61,799,217, plus strand): 5'-TTGTTGACCATACTATCTAGTTCATCCCGAGCAAACCGAAGCTGAACTTCTGTTACACTG[T>C]AACTTGCTGATTCCCGAGCACAGTCCTCGATGTTATGAGCTTCATCTAAAATGACAACCT-3'
Protein context (NP_114432.2, residues 398-418): IEDCARESAS[Tyr408Cys]SVTEVQLRFA

ClinVar aggregate classification (germline): Uncertain significance (1 of 4 stars; one submission).

Conditions:
Hereditary cancer-predisposing syndrome. Also called: Hereditary neoplastic syndrome; Neoplastic Syndromes, Hereditary; Tumor predisposition; Hereditary Cancer Syndrome. Identifiers: Orphanet 140162, MedGen C0027672, MeSH D009386, MONDO:0015356.

Submission:

Ambry Genetics
Classification: Uncertain significance for Hereditary cancer-predisposing syndrome. Last evaluated: 2025-02-22. Review status: criteria provided, single submitter. Criteria: Ambry Variant Classification Scheme 2023. Collection method: clinical testing. Allele origin: germline.
Comment: The p.Y408C variant (also known as c.1223A>G), located in coding exon 8 of the BRIP1 gene, results from an A to G substitution at nucleotide position 1223. The tyrosine at codon 408 is replaced by cysteine, an amino acid with highly dissimilar properties. This amino acid position is conserved. In addition, the in silico prediction for this alteration is inconclusive. Based on the available evidence, the clinical significance of this variant remains unclear.